The following is an entry in ClinVar:

NM_001371623.1(TCOF1):c.4092G>T (p.Lys1364Asn)

Gene: TCOF1 (treacle ribosome biogenesis factor 1; plus strand). Cytogenetic location: 5q32.
Variant type: single nucleotide variant.
Coding change: c.4092G>T on transcript NM_001371623.1 (MANE Select); coding-DNA position 4092, G replaced by T.
Protein change: p.Lys1364Asn; replaces lysine 1364 with asparagine.
Molecular consequence: missense variant.
Genome position (GRCh38, 1-based): chr5:150,396,589, G>T. VCF-style: chr5-150396589-G-T. GRCh37 (hg19) VCF-style: chr5-149776152-G-T.
Other names: c.3858G>T, p.Lys1286Asn (NM_000356.4); c.4089G>T, p.Lys1363Asn (NM_001135243.2); c.3978G>T, p.Lys1326Asn (NM_001135244.2); c.3861G>T, p.Lys1287Asn (NM_001135245.2); c.3975G>T, p.Lys1325Asn (NM_001195141.2); short protein forms K1286N, K1287N, K1325N, K1326N, K1363N, K1364N.
Identifiers: ClinVar variation 2501524 (VCV002501524.1), dbSNP rs2534540658, ClinGen allele CA361742630.

ClinVar aggregate classification (germline): Uncertain significance (1 of 4 stars; one submission).

Submission:

GeneDx
Classification: Uncertain significance. Last evaluated: 2022-11-07. Review status: criteria provided, single submitter. Criteria: GeneDx Variant Classification Process June 2021. Collection method: clinical testing. Allele origin: germline. Affected: yes.
Comment: Not observed at significant frequency in large population cohorts (gnomAD); In silico analysis supports that this missense variant has a deleterious effect on protein structure/function; Has not been previously published as pathogenic or benign to our knowledge